The following is an entry in ClinVar:

ClinVar aggregate classification (germline): Uncertain significance (1 of 4 stars; one submission).

Conditions:
Imerslund-Grasbeck syndrome. Also called: ENTEROCYTE COBALAMIN MALABSORPTION; ENTEROCYTE INTRINSIC FACTOR RECEPTOR, DEFECT OF; Megaloblastic anemia due to inborn errors of metabolism; Imerslund-Gräsbeck syndrome; PERNICIOUS ANEMIA, JUVENILE, DUE TO SELECTIVE INTESTINAL MALABSORPTION OF VITAMIN B12, WITH PROTEINURIA. Identifiers: Orphanet 35858, MedGen C4551825, MONDO:0009853.

Allele frequency attached by ClinVar (database versions not stated): TOPMed below 0.00001; ExAC 0.00002; gnomAD exomes 0.00003.
gnomAD v4.1: 38 of 1,613,690 alleles (0.0024%); highest among the groups gnomAD compares: South Asian, 0.021%; no homozygotes.

Submission:

Labcorp Genetics (formerly Invitae), Labcorp
Classification: Uncertain significance for Imerslund-Grasbeck syndrome. Last evaluated: 2022-06-06. Review status: criteria provided, single submitter. Criteria: Invitae Variant Classification Sherloc (09022015). Collection method: clinical testing. Allele origin: germline.
Comment: This sequence change replaces arginine, which is basic and polar, with glutamine, which is neutral and polar, at codon 2283 of the CUBN protein (p.Arg2283Gln). This variant is present in population databases (rs748531023, gnomAD 0.01%). In summary, the available evidence is currently insufficient to determine the role of this variant in disease. Therefore, it has been classified as a Variant of Uncertain Significance. Algorithms developed to predict the effect of sequence changes on RNA splicing suggest that this variant may create or strengthen a splice site. Algorithms developed to predict the effect of missense changes on protein structure and function are either unavailable or do not agree on the potential impact of this missense change (SIFT: "Tolerated"; PolyPhen-2: "Probably Damaging"; Align-GVGD: "Class C0"). This variant has not been reported in the literature in individuals affected with CUBN-related conditions.

NM_001081.4(CUBN):c.6848G>A (p.Arg2283Gln)

Gene: CUBN (cubilin; minus strand). Cytogenetic location: 10p13.
Variant type: single nucleotide variant.
Coding change: c.6848G>A on transcript NM_001081.4 (MANE Select); coding-DNA position 6848, G replaced by A.
Protein change: p.Arg2283Gln; replaces arginine 2283 with glutamine.
Molecular consequence: missense variant.
Genome position (GRCh38, 1-based): chr10:16,918,774, C>T on the plus strand (G>A on the coding strand, the complement: CUBN is on the minus strand). VCF-style: chr10-16918774-C-T. GRCh37 (hg19) VCF-style: chr10-16960773-C-T.
Other names: short protein forms R2283Q.
Identifiers: ClinVar variation 2081445 (VCV002081445.4), dbSNP rs748531023, ClinGen allele CA5423536.
Genomic context (GRCh38, chr10:16,918,774, plus strand): 5'-CTGGGCAAAGATGTCCCACAAAATTTGGAAAGTATTGGTGCATCCGAATCCACTCCATCC[C>T]GCAACTCAAGGTAGTTGGAAGTACAGCTGAAGTGGGAACAAAATTCTGTTAAATTTACAT-3'
Protein context (NP_001072.2, residues 2273-2293): PNCTSNYLEL[Arg2283Gln]DGVDSDAPIL